The following is an entry in ClinVar:

ClinVar aggregate classification (germline): Uncertain significance (1 of 4 stars; one submission).

Submission:

Labcorp Genetics (formerly Invitae), Labcorp
Classification: Uncertain significance. Last evaluated: 2025-05-04. Review status: criteria provided, single submitter. Criteria: Invitae Variant Classification Sherloc (09022015). Collection method: clinical testing. Allele origin: germline.
Comment: This sequence change replaces threonine, which is neutral and polar, with alanine, which is neutral and non-polar, at codon 275 of the LRRC10 protein (p.Thr275Ala). This variant is not present in population databases (gnomAD no frequency). This variant has not been reported in the literature in individuals affected with LRRC10-related conditions. An algorithm developed to predict the effect of missense changes on protein structure and function outputs the following: PolyPhen-2: "Benign". The alanine amino acid residue is found in multiple mammalian species, which suggests that this missense change does not adversely affect protein function. In summary, the available evidence is currently insufficient to determine the role of this variant in disease. Therefore, it has been classified as a Variant of Uncertain Significance.

NM_201550.4(LRRC10):c.823A>G (p.Thr275Ala)

Gene: LRRC10 (leucine rich repeat containing 10; minus strand). Cytogenetic location: 12q15.
Variant type: single nucleotide variant.
Coding change: c.823A>G on transcript NM_201550.4 (MANE Select); coding-DNA position 823, A replaced by G.
Protein change: p.Thr275Ala; replaces threonine 275 with alanine.
Molecular consequence: missense variant.
Genome position (GRCh38, 1-based): chr12:69,610,016, T>C on the plus strand (A>G on the coding strand, the complement: LRRC10 is on the minus strand). VCF-style: chr12-69610016-T-C. GRCh37 (hg19) VCF-style: chr12-70003796-T-C.
Other names: short protein forms T275A.
Identifiers: ClinVar variation 4789515 (VCV004789515.1).